The following is an entry in ClinVar:

ClinVar aggregate classification (germline): Uncertain significance (1 of 4 stars; one submission).

Conditions:
Neurofibromatosis, type 2 (SWNV). Also called: BILATERAL ACOUSTIC NEUROFIBROMATOSIS; NF2-Related Schwannomatosis; SCHWANNOMATOSIS, VESTIBULAR. Identifiers: Orphanet 637, MedGen C0027832, MONDO:0007039, OMIM 101000. Disease mechanism: loss of function.

Submission:

Labcorp Genetics (formerly Invitae), Labcorp
Classification: Uncertain significance for Neurofibromatosis, type 2. Last evaluated: 2025-09-04. Review status: criteria provided, single submitter. Criteria: Invitae Variant Classification Sherloc (09022015). Collection method: clinical testing. Allele origin: germline.
Comment: This sequence change falls in intron 6 of the NF2 gene. It does not directly change the encoded amino acid sequence of the NF2 protein. Information on the frequency of this variant in the gnomAD database is not available, as this variant may be reported differently in the database. This variant has not been reported in the literature in individuals affected with NF2-related conditions. In summary, the available evidence is currently insufficient to determine the role of this variant in disease. Therefore, it has been classified as a Variant of Uncertain Significance.

NM_000268.4(NF2):c.599+15_599+16delinsCA

Gene: NF2 (NF2, moesin-ezrin-radixin like (MERLIN) tumor suppressor; plus strand). Cytogenetic location: 22q12.2.
Variant type: Indel.
Coding change: c.599+15_599+16delinsCA on transcript NM_000268.4 (MANE Select); bases 15 to 16 of the intron after coding-DNA position 599, TT replaced by CA.
Molecular consequence: intron variant.
Genome position (GRCh38, 1-based): chr22:29,655,691-29,655,692, TT replaced by CA. VCF-style: chr22-29655691-TT-CA. GRCh37 (hg19) VCF-style: chr22-30051680-TT-CA.
Other names: c.350+15_350+16delinsCA (NM_181830.3, NM_001407064.1, NM_181831.3 and 1 more transcripts); c.599+15_599+16delinsCA (NM_001407066.1, NM_181825.3, NM_016418.5 and 4 more transcripts); c.485+15_485+16delinsCA (NM_001407056.1, NM_001407053.1); c.368+15_368+16delinsCA (NM_001407067.1); c.65+15_65+16delinsCA (NM_001407065.1); c.447+13406_447+13407delinsCA (NM_181833.3); c.476+15_476+16delinsCA (NM_001407058.1, NM_181829.3, NM_001407054.1 and 1 more transcripts); c.473+15_473+16delinsCA (NM_181828.3, NM_001407055.1).
Identifiers: ClinVar variation 4726637 (VCV004726637.1).